The following is an entry in ClinVar:

ClinVar aggregate classification (germline): Uncertain significance (1 of 4 stars; one submission).

Allele frequency attached by ClinVar (database versions not stated): TOPMed below 0.00001; gnomAD 0.00001.
gnomAD v4.1: 9 of 1,613,794 alleles (0.00056%); highest among the groups gnomAD compares: East Asian, 0.0045%; no homozygotes.

Submission:

Labcorp Genetics (formerly Invitae), Labcorp
Classification: Uncertain significance. Last evaluated: 2022-02-16. Review status: criteria provided, single submitter. Criteria: Invitae Variant Classification Sherloc (09022015). Collection method: clinical testing. Allele origin: germline.
Comment: This sequence change replaces arginine, which is basic and polar, with glutamine, which is neutral and polar, at codon 994 of the ERCC6 protein (p.Arg994Gln). This variant is present in population databases (no rsID available, gnomAD 0.003%). This variant has not been reported in the literature in individuals affected with ERCC6-related conditions. Algorithms developed to predict the effect of missense changes on protein structure and function (SIFT, PolyPhen-2, Align-GVGD) all suggest that this variant is likely to be disruptive. In summary, the available evidence is currently insufficient to determine the role of this variant in disease. Therefore, it has been classified as a Variant of Uncertain Significance.

NM_000124.4(ERCC6):c.2981G>A (p.Arg994Gln)

Gene: ERCC6 (ERCC excision repair 6, chromatin remodeling factor; minus strand). Cytogenetic location: 10q11.23.
Variant type: single nucleotide variant.
Coding change: c.2981G>A on transcript NM_000124.4 (MANE Select); coding-DNA position 2981, G replaced by A.
Protein change: p.Arg994Gln; replaces arginine 994 with glutamine.
Molecular consequence: missense variant.
Genome position (GRCh38, 1-based): chr10:49,471,064, C>T on the plus strand (G>A on the coding strand, the complement: ERCC6 is on the minus strand). VCF-style: chr10-49471064-C-T. GRCh37 (hg19) VCF-style: chr10-50679110-C-T.
Other names: c.2981G>A, p.Arg994Gln (NM_001346440.2); short protein forms R994Q.
Identifiers: ClinVar variation 2140800 (VCV002140800.1), dbSNP rs1225936444, ClinGen allele CA376717702.